The following is an entry in ClinVar:

NM_001035.3(RYR2):c.10323+280C>T

Gene: RYR2 (ryanodine receptor 2; plus strand). Cytogenetic location: 1q43.
Variant type: single nucleotide variant.
Coding change: c.10323+280C>T on transcript NM_001035.3 (MANE Select); 280 bases into the intron after coding-DNA position 10323, C replaced by T.
Molecular consequence: intron variant.
Genome position (GRCh38, 1-based): chr1:237,712,117, C>T. VCF-style: chr1-237712117-C-T. GRCh37 (hg19) VCF-style: chr1-237875417-C-T.
Identifiers: ClinVar variation 683789 (VCV000683789.1), dbSNP rs2685299, ClinGen allele CA16083594.

ClinVar aggregate classification (germline): Benign (1 of 4 stars; one submission).

Allele frequency attached by ClinVar (database versions not stated): 1000 Genomes Project 30x 0.40725; 1000 Genomes Project 0.41374; TOPMed 0.49763; gnomAD 0.51887 and 0.52172.
gnomAD v4.1: 79,315 of 151,740 alleles (52%); highest among the groups gnomAD compares: Middle Eastern, 69%; 24,072 homozygotes.

Submission:

GeneDx
Classification: Benign. Last evaluated: 2018-06-18. Review status: criteria provided, single submitter. Criteria: GeneDx Variant Classification (06012015). Collection method: clinical testing. Allele origin: germline. Affected: yes.
Comment: This variant is considered likely benign or benign based on one or more of the following criteria: it is a conservative change, it occurs at a poorly conserved position in the protein, it is predicted to be benign by multiple in silico algorithms, and/or has population frequency not consistent with disease.